The following is an entry in ClinVar:

ClinVar aggregate classification (germline): Uncertain significance. Review status: criteria provided, multiple submitters, no conflicts (2 of 4 stars). 3 submissions from 3 submitters: Uncertain significance (3). Last evaluated 2025-07-25.

Conditions:
Leber congenital amaurosis 2 (LCA2). Also called: Autosomal Recessive RPE65-Related Retinal Degeneration; AMAUROSIS CONGENITA OF LEBER II. Identifiers: Orphanet 65, MedGen C1859844, MONDO:0008765, OMIM 204100. Disease mechanism: loss of function.
Retinitis pigmentosa 20 (RP20). Identifiers: Orphanet 791, MedGen C3151086, MONDO:0013425, OMIM 613794.

Allele frequency attached by ClinVar (database versions not stated): gnomAD exomes below 0.00001 and 0.00001; ExAC 0.00001; gnomAD 0.00001; TOPMed 0.00001.
gnomAD v4.1: 6 of 1,614,014 alleles (0.00037%); highest among the groups gnomAD compares: Non-Finnish European, 0.00051%; no homozygotes.

Submissions (3):

Women's Health and Genetics/Laboratory Corporation of America, LabCorp
Classification: Uncertain significance. Last evaluated: 2025-07-25. Review status: criteria provided, single submitter. Criteria: LabCorp Variant Classification Summary - May 2015. Collection method: clinical testing. Allele origin: germline.
Comment: Variant summary: RPE65 c.909A>C (p.Lys303Asn) results in a non-conservative amino acid change in the encoded protein sequence. Algorithms developed to predict the effect of missense changes on protein structure and function all suggest that this variant is likely to be disruptive. The variant allele was found at a frequency of 4e-06 in 251392 control chromosomes (gnomAD). The available data on variant occurrences in the general population are insufficient to allow any conclusion about variant significance. To our knowledge, no occurrence of c.909A>C in individuals affected with Leber congenital amaurosis and no experimental evidence demonstrating its impact on protein function have been reported. ClinVar contains an entry for this variant (Variation ID: 1419363). Based on the evidence outlined above, the variant was classified as uncertain significance.

Blueprint Genetics
Classification: Uncertain significance. Last evaluated: 2024-10-03. Review status: criteria provided, single submitter. Criteria: ACMG Guidelines, 2015. Collection method: clinical testing. Allele origin: germline.

Labcorp Genetics (formerly Invitae), Labcorp
Classification: Uncertain significance for Leber congenital amaurosis 2; Retinitis pigmentosa 20. Last evaluated: 2022-07-19. Review status: criteria provided, single submitter. Criteria: Invitae Variant Classification Sherloc (09022015). Collection method: clinical testing. Allele origin: germline.
Comment: This sequence change replaces lysine, which is basic and polar, with asparagine, which is neutral and polar, at codon 303 of the RPE65 protein (p.Lys303Asn). This variant is present in population databases (rs756160706, gnomAD 0.0009%). This variant has not been reported in the literature in individuals affected with RPE65-related conditions. ClinVar contains an entry for this variant (Variation ID: 1419363). Algorithms developed to predict the effect of missense changes on protein structure and function are either unavailable or do not agree on the potential impact of this missense change (SIFT: "Deleterious"; PolyPhen-2: "Probably Damaging"; Align-GVGD: "Class C0"). In summary, the available evidence is currently insufficient to determine the role of this variant in disease. Therefore, it has been classified as a Variant of Uncertain Significance.

NM_000329.3(RPE65):c.909A>C (p.Lys303Asn)

Gene: RPE65 (retinoid isomerohydrolase RPE65; minus strand). Cytogenetic location: 1p31.3.
Variant type: single nucleotide variant.
Coding change: c.909A>C on transcript NM_000329.3 (MANE Select); coding-DNA position 909, A replaced by C.
Protein change: p.Lys303Asn; replaces lysine 303 with asparagine.
Molecular consequence: missense variant.
Genome position (GRCh38, 1-based): chr1:68,439,031, T>G on the plus strand (A>C on the coding strand, the complement: RPE65 is on the minus strand). VCF-style: chr1-68439031-T-G. GRCh37 (hg19) VCF-style: chr1-68904714-T-G.
Other names: short protein forms K303N.
Identifiers: ClinVar variation 1419363 (VCV001419363.5), dbSNP rs756160706, ClinGen allele CA902345.